The following is an entry in ClinVar:

NM_014141.6(CNTNAP2):c.3588_3591del (p.Asn1198fs)

Gene: CNTNAP2 (contactin associated protein 2; plus strand). Cytogenetic location: 7q36.1.
Variant type: Deletion.
Coding change: c.3588_3591del on transcript NM_014141.6 (MANE Select); coding-DNA positions 3588 to 3591, 4 bases deleted (GACA; older notation c.3588_3591delGACA).
Protein change: p.Asn1198fs; shifts the reading frame from asparagine 1198.
Molecular consequence: frameshift variant.
Genome position (GRCh38, 1-based): chr7:148,383,761-148,383,764, GACA deleted; deleting any 4 consecutive bases within chr7:148,383,759-148,383,764 gives the same sequence; the c. name uses the placement nearest the transcript's 3' end. VCF-style (leftmost placement, unchanged base first): chr7-148383758-GCAGA-G. GRCh37 (hg19) VCF-style: chr7-148080850-GCAGA-G.
Other names: short protein forms N1198fs.
Identifiers: ClinVar variation 858321 (VCV000858321.8), dbSNP rs746615217, ClinGen allele CA4546700.
Genomic context (GRCh38, chr7:148,383,758, plus strand): 5'-CACTGGTTGCCTCTCCAGAGTCCAGTTCAACCAGATCGCCCCTCTCAAGGCCGCCTTGAG[GCAGA>G]CAAACGCCTCGGCTCACGTCCACATCCAGGGCGAGCTGGTGGAGTCCAACTGCGGGGCCT-3'

ClinVar aggregate classification (germline): Pathogenic (1 of 4 stars; one submission).

Conditions:
Cortical dysplasia-focal epilepsy syndrome (PTHSL1). Also called: Pitt-Hopkins-like syndrome 1. Identifiers: Orphanet 163681, Orphanet 221150, MedGen C2750246, MONDO:0012400, OMIM 610042.

Submission:

Labcorp Genetics (formerly Invitae), Labcorp
Classification: Pathogenic for Cortical dysplasia-focal epilepsy syndrome. Last evaluated: 2022-09-01. Review status: criteria provided, single submitter. Criteria: Invitae Variant Classification Sherloc (09022015). Collection method: clinical testing. Allele origin: germline.
Comment: This sequence change creates a premature translational stop signal (p.Asn1198Profs*21) in the CNTNAP2 gene. It is expected to result in an absent or disrupted protein product. Loss-of-function variants in CNTNAP2 are known to be pathogenic (PMID: 19896112, 21827697, 25045150, 26843181, 27439707). This variant is not present in population databases (gnomAD no frequency). For these reasons, this variant has been classified as Pathogenic. ClinVar contains an entry for this variant (Variation ID: 858321). This variant has not been reported in the literature in individuals affected with CNTNAP2-related conditions.

Literature cited by the submitters: PubMed 19896112; PubMed 21827697; PubMed 25045150; PubMed 26843181; PubMed 27439707.